The following is an entry in ClinVar:

ClinVar aggregate classification (germline): Uncertain significance (1 of 4 stars; one submission).

Conditions:
Episodic kinesigenic dyskinesia (EKD). Also called: Paroxysmal kinesigenic dyskinesia. Identifiers: Orphanet 98809, MedGen C1868682, MONDO:0044202.

Submission:

Labcorp Genetics (formerly Invitae), Labcorp
Classification: Uncertain significance for Episodic kinesigenic dyskinesia. Last evaluated: 2023-04-06. Review status: criteria provided, single submitter. Criteria: Invitae Variant Classification Sherloc (09022015). Collection method: clinical testing. Allele origin: germline.
Comment: This sequence change replaces proline, which is neutral and non-polar, with leucine, which is neutral and non-polar, at codon 34 of the PRRT2 protein (p.Pro34Leu). This variant is not present in population databases (gnomAD no frequency). This variant has not been reported in the literature in individuals affected with PRRT2-related conditions. Advanced modeling of protein sequence and biophysical properties (such as structural, functional, and spatial information, amino acid conservation, physicochemical variation, residue mobility, and thermodynamic stability) performed at Invitae indicates that this missense variant is not expected to disrupt PRRT2 protein function. In summary, the available evidence is currently insufficient to determine the role of this variant in disease. Therefore, it has been classified as a Variant of Uncertain Significance.

NM_145239.3(PRRT2):c.101C>T (p.Pro34Leu)

Genes: MVP-DT (MVP divergent transcript; minus strand), PRRT2 (proline rich transmembrane protein 2; plus strand). Cytogenetic location: 16p11.2.
Variant type: single nucleotide variant.
Coding change: c.101C>T on transcript NM_145239.3 (MANE Select); coding-DNA position 101, C replaced by T.
Protein change: p.Pro34Leu; replaces proline 34 with leucine.
Molecular consequence: missense variant.
Genome position (GRCh38, 1-based): chr16:29,813,155, C>T. VCF-style: chr16-29813155-C-T. GRCh37 (hg19) VCF-style: chr16-29824476-C-T.
Other names: c.101C>T, p.Pro34Leu (NM_001256442.2, NM_001256443.2); short protein forms P34L.
Identifiers: ClinVar variation 2851292 (VCV002851292.3), dbSNP rs2543331223, ClinGen allele CA395477287.
Genomic context (GRCh38, chr16:29,813,155, plus strand): 5'-TTGAGGAGAGTCCCAAGGTTCCAGGCGAAGGGCCTGGCCATTCTGAAGCTGAAACTGGCC[C>T]TCCCCAGGTCCTAGCAGGGGTACCAGACCAGCCAGAGGCCCCGCAGCCAGGTCCAAACAC-3'
Protein context (NP_660282.2, residues 24-44): GPGHSEAETG[Pro34Leu]PQVLAGVPDQ